The following is an entry in ClinVar:

ClinVar aggregate classification (germline): Conflicting classifications of pathogenicity. Review status: criteria provided, conflicting classifications (1 of 4 stars). 5 submissions from 5 submitters: Pathogenic (1); Likely pathogenic (2); Uncertain significance (1). 1 of the submissions does not count toward it. Last evaluated 2025-04-24.

Conditions:
ASL-related disorder. Also called: ASL-related condition.
Argininosuccinate lyase deficiency. Also called: ARGININOSUCCINIC ACID LYASE DEFICIENCY; ASL DEFICIENCY; Argininosuccinic aciduria. Identifiers: Orphanet 23, MedGen C0268547, MONDO:0008815, OMIM 207900, HP:0025630.

Allele frequency attached by ClinVar (database versions not stated): gnomAD 0.00001; TOPMed 0.00001.
gnomAD v4.1: 10 of 1,613,754 alleles (0.00062%); highest among the groups gnomAD compares: East Asian, 0.0022%; no homozygotes.

Submissions (5):

PreventionGenetics, part of Exact Sciences
Classification: Likely pathogenic for ASL-related condition. Last evaluated: 2025-04-24. Review status: criteria provided, single submitter. Criteria: ACMG Guidelines, 2015. Collection method: clinical testing. Allele origin: germline.
Comment: The ASL c.467C>T variant is predicted to result in the amino acid substitution p.Pro156Leu. This variant was reported in the homozygous state or heterozygous state with second pathogenic ASL variant in unrelated individuals with argininosuccinate lyase deficiency (ASLD) or an abnormal newborn screen suggestive of ASLD, with the variants confirmed to be in trans in at least one individual (Kim et al. 2018. PubMed ID: 29773863; Cheng et al. 2019. PubMed ID: 31030429). In addition, an alternate substitution impacting the same amino acid (p.Pro156Arg) has been reported in an individual with ASLD (Balmer et al. 2013. PubMed ID: 24166829). This variant is reported in 0.0054% of alleles in individuals of East Asian descent in gnomAD. This variant is interpreted as likely pathogenic.

Labcorp Genetics (formerly Invitae), Labcorp
Classification: Pathogenic for Argininosuccinate lyase deficiency. Last evaluated: 2024-10-12. Review status: criteria provided, single submitter. Criteria: Invitae Variant Classification Sherloc (09022015). Collection method: clinical testing. Allele origin: germline.
Comment: This sequence change replaces proline, which is neutral and non-polar, with leucine, which is neutral and non-polar, at codon 156 of the ASL protein (p.Pro156Leu). This variant is present in population databases (rs769017508, gnomAD 0.006%). This missense change has been observed in individual(s) with argininosuccinate lyase deficiency (PMID: 29773863, 31030429). ClinVar contains an entry for this variant (Variation ID: 198384). Invitae Evidence Modeling of protein sequence and biophysical properties (such as structural, functional, and spatial information, amino acid conservation, physicochemical variation, residue mobility, and thermodynamic stability) indicates that this missense variant is expected to disrupt ASL protein function with a positive predictive value of 95%. This variant disrupts the p.Pro156 amino acid residue in ASL. Other variant(s) that disrupt this residue have been observed in individuals with ASL-related conditions (PMID: 24166829), which suggests that this may be a clinically significant amino acid residue. For these reasons, this variant has been classified as Pathogenic.

Eurofins Ntd Llc (ga)
Classification: Uncertain significance. Last evaluated: 2017-10-27. Review status: criteria provided, single submitter. Criteria: EGL Classification Definitions 2015. Collection method: clinical testing. Allele origin: germline. Observed: 2 variant alleles, 2 heterozygotes.

Juno Genomics, Hangzhou Juno Genomics, Inc
Classification: Likely pathogenic for Argininosuccinate lyase deficiency. Review status: criteria provided, single submitter. Criteria: ACMG Guidelines, 2015. Collection method: clinical testing. Allele origin: germline.
Comment: Absent from controls (or at extremely low frequency if recessive) in Genome Aggregation Database.;Multiple lines of computational evidence support a deleterious effect on the gene or gene product.;For recessive disorders, detected in trans with a pathogenic variant.

Natera, Inc.
Classification: Likely pathogenic for Argininosuccinate lyase deficiency. Last evaluated: 2021-02-16. Review status: no assertion criteria provided. Collection method: clinical testing. Allele origin: germline. Not counted in ClinVar's aggregate classification.

Literature cited by the submitters: PubMed 29773863 (cited by Labcorp Genetics (formerly Invitae), Labcorp); PubMed 31030429 (cited by Labcorp Genetics (formerly Invitae), Labcorp); PubMed 24166829 (cited by Labcorp Genetics (formerly Invitae), Labcorp).

NM_000048.4(ASL):c.467C>T (p.Pro156Leu)

Gene: ASL (argininosuccinate lyase; plus strand). Cytogenetic location: 7q11.21.
Variant type: single nucleotide variant.
Coding change: c.467C>T on transcript NM_000048.4 (MANE Select); coding-DNA position 467, C replaced by T.
Protein change: p.Pro156Leu; replaces proline 156 with leucine.
Molecular consequence: missense variant.
Genome position (GRCh38, 1-based): chr7:66,086,605, C>T. VCF-style: chr7-66086605-C-T. GRCh37 (hg19) VCF-style: chr7-65551592-C-T.
Other names: c.467C>T, p.Pro156Leu (NM_001024943.2, NM_001024944.2, NM_001024946.2); short protein forms P156L.
Identifiers: ClinVar variation 198384 (VCV000198384.22), dbSNP rs769017508, ClinGen allele CA247010.
Genomic context (GRCh38, chr7:66,086,605, plus strand): 5'-ATGAGCCTCCACCCGAGCTTCTGCTCCTCCTCTCCCACAGGGAACGTGATGTTCTCTTCC[C>T]GGGGTACACCCATTTGCAGAGGGCCCAGCCCATCCGCTGGAGCCACTGGATTCTGAGGTG-3'
Protein context (NP_000039.2, residues 146-166): RAEAERDVLF[Pro156Leu]GYTHLQRAQP